The following is an entry in ClinVar:

ClinVar aggregate classification (germline): Conflicting classifications of pathogenicity. Review status: criteria provided, conflicting classifications (1 of 4 stars). 4 submissions from 4 submitters: Uncertain significance (2); Benign (1). 1 of the submissions does not count toward it. Last evaluated 2025-10-19.

Conditions:
B3GLCT-related disorder. Also called: B3GLCT-related condition.
Peters plus syndrome. Also called: KRAUSE-KIVLIN SYNDROME. Identifiers: Orphanet 709, MedGen C0796012, MONDO:0009856, OMIM 261540.

Allele frequency attached by ClinVar (database versions not stated): gnomAD 0.00006 and 0.00011; gnomAD exomes 0.00012 and 0.00022; TOPMed 0.00012; ExAC 0.00028; 1000 Genomes Project 0.00040; 1000 Genomes Project 30x 0.00062.
gnomAD v4.1: 185 of 1,607,104 alleles (0.012%); highest among the groups gnomAD compares: East Asian, 0.38%; no homozygotes.

Submissions (4):

Labcorp Genetics (formerly Invitae), Labcorp
Classification: Benign for Peters plus syndrome. Last evaluated: 2025-10-19. Review status: criteria provided, single submitter. Criteria: Invitae Variant Classification Sherloc (09022015). Collection method: clinical testing. Allele origin: germline.

Illumina Laboratory Services, Illumina
Classification: Uncertain significance for Peters plus syndrome. Last evaluated: 2018-01-13. Review status: criteria provided, single submitter. Criteria: ICSL Variant Classification Criteria 13 December 2019. Collection method: clinical testing. Allele origin: germline.

Genetic Services Laboratory, University of Chicago
Classification: Uncertain significance. Last evaluated: 2016-06-10. Review status: criteria provided, single submitter. Criteria: ACMG Guidelines, 2015. Collection method: clinical testing. Allele origin: germline. Affected: no.

PreventionGenetics, part of Exact Sciences
Classification: Likely benign for B3GLCT-related condition. Last evaluated: 2019-04-09. Review status: no assertion criteria provided. Collection method: clinical testing. Allele origin: germline. Not counted in ClinVar's aggregate classification.
Comment: This variant is classified as likely benign based on ACMG/AMP sequence variant interpretation guidelines (Richards et al. 2015 PMID: 25741868, with internal and published modifications).

NM_194318.4(B3GLCT):c.71-9T>C

Gene: B3GLCT (beta 3-glucosyltransferase; plus strand). Cytogenetic location: 13q12.3.
Variant type: single nucleotide variant.
Coding change: c.71-9T>C on transcript NM_194318.4 (MANE Select); 9 bases into the intron before coding-DNA position 71, T replaced by C.
Molecular consequence: intron variant.
Genome position (GRCh38, 1-based): chr13:31,215,042, T>C. VCF-style: chr13-31215042-T-C. GRCh37 (hg19) VCF-style: chr13-31789179-T-C.
Identifiers: ClinVar variation 434473 (VCV000434473.18), dbSNP rs569540121, ClinGen allele CA6936424.